The following is an entry in ClinVar:

ClinVar aggregate classification (germline): Pathogenic (1 of 4 stars; one submission).

Conditions:
Inborn genetic diseases. Identifiers: MedGen C0950123, MeSH D030342.

Submission:

Ambry Genetics
Classification: Pathogenic for Inborn genetic diseases. Last evaluated: 2025-09-05. Review status: criteria provided, single submitter. Criteria: Ambry Variant Classification Scheme 2023. Collection method: clinical testing. Allele origin: germline.
Comment: The c.1944_1950delGCAGCCA (p.Q648Hfs*89) alteration, located in exon 12 (coding exon 11) of the SATB1 gene, consists of a deletion of 7 nucleotides from position 1944 to 1950, causing a translational frameshift with a predicted alternate stop codon after 89 amino acids. This variant is not expected to trigger nonsense-mediated mRNA decay, and impacts the last 18.6% of the protein. However, premature stop codons are typically deleterious in nature, the impacted region is critical for protein function, and a significant portion of the protein is affected (Ambry internal data). This variant was not reported in population-based cohorts in the Genome Aggregation Database (gnomAD). Based on the available evidence, this alteration is classified as pathogenic.

NM_002971.6(SATB1):c.1848_1854del (p.Gln616fs)

Gene: SATB1 (SATB homeobox 1; minus strand). Cytogenetic location: 3p24.3.
Variant type: Deletion.
Coding change: c.1848_1854del on transcript NM_002971.6 (MANE Select); coding-DNA positions 1848 to 1854, 7 bases deleted (GCAGCCA; older notation c.1848_1854delGCAGCCA).
Protein change: p.Gln616fs; shifts the reading frame from glutamine 616.
Molecular consequence: frameshift variant.
Genome position (GRCh38, 1-based): chr3:18,349,608-18,349,614, TGGCTGC deleted on the plus strand (GCAGCCA on the coding strand, the reverse complement: SATB1 is on the minus strand); deleting any 7 consecutive bases within chr3:18,349,608-18,349,616 gives the same sequence; the c. name uses the placement nearest the transcript's 3' end. VCF-style (leftmost placement, unchanged base first): chr3-18349607-GTGGCTGC-G. GRCh37 (hg19) VCF-style: chr3-18391099-GTGGCTGC-G.
Other names: c.1944_1950del, p.Gln648fs (NM_001195470.3, NM_001322871.2); c.1848_1854del, p.Gln616fs (NM_001322872.2, NM_001322873.2, NM_001322874.2 and 2 more transcripts); c.1632_1638del, p.Gln544fs (NM_001322876.2); short protein forms Q616fs, Q648fs, Q544fs.
Identifiers: ClinVar variation 4159720 (VCV004159720.1).
Genomic context (GRCh38, chr3:18,349,607, plus strand): 5'-CATCTGACTCTGCTGGAGAGGCCACCGTGGGTTGCCGTGGGGGGAGCCGAGGGCCTGTCT[GTGGCTGC>G]TGCTGTGGCTGTGGAGGCGGCGGTGCCTGCTGCTGCTGCTGCTGCTGTTGCTGTTGCTGC-3'